The following is an entry in ClinVar:

ClinVar aggregate classification (germline): Likely benign (1 of 4 stars; one submission).

Submission:

Molecular Diagnostic Laboratory for Inherited Cardiovascular Disease, Montreal Heart Institute
Classification: Likely benign. Last evaluated: 2025-04-09. Review status: criteria provided, single submitter. Criteria: ACMG Guidelines, 2015. Collection method: clinical testing. Allele origin: germline. Affected: no.
Comment: BP7

NM_004281.4(BAG3):c.537C>T (p.Cys179=)

Gene: BAG3 (BAG cochaperone 3; plus strand). Cytogenetic location: 10q26.11.
Variant type: single nucleotide variant.
Coding change: c.537C>T on transcript NM_004281.4 (MANE Select); coding-DNA position 537, C replaced by T.
Protein change: p.Cys179=; no amino-acid change (cysteine 179 retained).
Molecular consequence: synonymous variant.
Genome position (GRCh38, 1-based): chr10:119,672,284, C>T. VCF-style: chr10-119672284-C-T. GRCh37 (hg19) VCF-style: chr10-121431796-C-T.
Identifiers: ClinVar variation 3895450 (VCV003895450.1).